The following is an entry in ClinVar:

NM_000059.4(BRCA2):c.5119_5122del (p.Thr1707fs)

Gene: BRCA2 (BRCA2 DNA repair associated; plus strand). Cytogenetic location: 13q13.1.
Variant type: Deletion.
Coding change: c.5119_5122del on transcript NM_000059.4 (MANE Select); coding-DNA positions 5119 to 5122, 4 bases deleted (ACTG; older notation c.5119_5122delACTG).
Protein change: p.Thr1707fs; shifts the reading frame from threonine 1707.
Molecular consequence: frameshift variant.
Genome position (GRCh38, 1-based): chr13:32,339,474-32,339,477, ACTG deleted. VCF-style (leftmost placement, unchanged base first): chr13-32339473-TACTG-T. GRCh37 (hg19) VCF-style: chr13-32913610-TACTG-T.
Other names: 5347delACTG; short protein forms T1707fs.
Identifiers: ClinVar variation 266849 (VCV000266849.6), dbSNP rs886040566, ClinGen allele CA10589287.

ClinVar aggregate classification (germline): Pathogenic. Review status: reviewed by expert panel (3 of 4 stars). 3 submissions from 3 submitters: Pathogenic (1). 2 of the submissions do not count toward it. Last evaluated 2016-10-18.

Conditions:
Breast-ovarian cancer, familial, susceptibility to, 2 (BROVCA2). Also called: BRCA2 Hereditary Breast and Ovarian Cancer. Identifiers: Orphanet 145, MedGen C2675520, MONDO:0012933, OMIM 612555. Disease mechanism: loss of function.

Submissions (3):

Evidence-based Network for the Interpretation of Germline Mutant Alleles (ENIGMA)
Classification: Pathogenic for Breast-ovarian cancer, familial, susceptibility to, 2. Last evaluated: 2016-10-18. Review status: reviewed by expert panel. Criteria: ENIGMA BRCA1/2 Classification Criteria (2015). Collection method: curation. Allele origin: germline.
Comment: Variant allele predicted to encode a truncated non-functional protein.

Consortium of Investigators of Modifiers of BRCA1/2 (CIMBA), c/o University of Cambridge
Classification: Pathogenic for Breast-ovarian cancer, familial, susceptibility to, 2. Last evaluated: 2015-10-02. Review status: criteria provided, single submitter. Criteria: CIMBA Mutation Classification guidelines May 2016. Collection method: clinical testing. Allele origin: germline. Not counted in ClinVar's aggregate classification.

BRCAlab, Lund University
Classification: Pathogenic for Breast-ovarian cancer, familial, susceptibility to, 2. Last evaluated: 2020-03-02. Review status: no assertion criteria provided. Collection method: clinical testing. Allele origin: germline. Affected: yes. Not counted in ClinVar's aggregate classification.